The following is an entry in ClinVar:

NM_001715.3(BLK):c.514G>T (p.Glu172Ter)

Genes: BLK (BLK proto-oncogene, Src family tyrosine kinase), BLK-AS1 (BLK antisense RNA 1). Cytogenetic location: 8p23.1.
Variant type: single nucleotide variant.
Coding change: c.514G>T on transcript NM_001715.3 (MANE Select); coding-DNA position 514, G replaced by T.
Protein change: p.Glu172Ter; replaces glutamic acid 172 with a stop codon.
Molecular consequence: nonsense.
Genome position (GRCh38, 1-based): chr8:11,554,784, G>T. VCF-style: chr8-11554784-G-T. GRCh37 (hg19) VCF-style: chr8-11412293-G-T.
Other names: c.301G>T, p.Glu101Ter (NM_001330465.2); short protein forms E172*, E101*.
Identifiers: ClinVar variation 4701516 (VCV004701516.1).
Genomic context (GRCh38, chr8:11,554,784, plus strand): 5'-GTCTTCATGAACCCTCCAGGTGCCTTCTCCCTGTCTGTGAAGGATGTCACCACCCAGGGG[G>T]AGCTGATCAAGCACTATAAGATCCGCTGCCTGGATGAAGGGGGCTACTACATCTCCCCCC-3'

ClinVar aggregate classification (germline): Uncertain significance (1 of 4 stars; one submission).

gnomAD v4.1: 12 of 1,614,008 alleles (0.00074%); highest among the groups gnomAD compares: African/African-American, 0.011%; no homozygotes.

Submission:

Labcorp Genetics (formerly Invitae), Labcorp
Classification: Uncertain significance. Last evaluated: 2025-11-11. Review status: criteria provided, single submitter. Criteria: Invitae Variant Classification Sherloc (09022015). Collection method: clinical testing. Allele origin: germline.
Comment: This sequence change creates a premature translational stop signal (p.Glu172*) in the BLK gene. It is expected to result in an absent or disrupted protein product. However, the current clinical and genetic evidence is not sufficient to establish whether loss-of-function variants in BLK cause disease. This variant is present in population databases (rs200436247, gnomAD 0.01%). This variant has not been reported in the literature in individuals affected with BLK-related conditions. In summary, the available evidence is currently insufficient to determine the role of this variant in disease. Therefore, it has been classified as a Variant of Uncertain Significance.